The following is an entry in ClinVar:

ClinVar aggregate classification (germline): Uncertain significance (1 of 4 stars; one submission).

Conditions:
Hereditary cancer-predisposing syndrome. Also called: Neoplastic Syndromes, Hereditary; Tumor predisposition; Hereditary Cancer Syndrome; Hereditary neoplastic syndrome. Identifiers: Orphanet 140162, MedGen C0027672, MeSH D009386, MONDO:0015356.

Submission:

Ambry Genetics
Classification: Uncertain significance for Hereditary cancer-predisposing syndrome. Last evaluated: 2024-12-23. Review status: criteria provided, single submitter. Criteria: Ambry Variant Classification Scheme 2023. Collection method: clinical testing. Allele origin: germline.
Comment: The p.T2911S variant (also known as c.8731A>T), located in coding exon 59 of the ATM gene, results from an A to T substitution at nucleotide position 8731. The threonine at codon 2911 is replaced by serine, an amino acid with similar properties. This amino acid position is not well conserved in available vertebrate species. In addition, the in silico prediction for this alteration is inconclusive. Based on the available evidence, the clinical significance of this variant remains unclear.

NM_000051.4(ATM):c.8731A>T (p.Thr2911Ser)

Genes: ATM (ATM serine/threonine kinase; plus strand), C11orf65 (chromosome 11 open reading frame 65; minus strand). Cytogenetic location: 11q22.3.
Variant type: single nucleotide variant.
Coding change: c.8731A>T on transcript NM_000051.4 (MANE Select); coding-DNA position 8731, A replaced by T.
Protein change: p.Thr2911Ser; replaces threonine 2911 with serine.
Molecular consequence: missense variant. On other transcripts: intron variant (2).
Genome position (GRCh38, 1-based): chr11:108,353,825, A>T. VCF-style: chr11-108353825-A-T. GRCh37 (hg19) VCF-style: chr11-108224552-A-T.
Other names: c.8731A>T, p.Thr2911Ser (NM_001351834.2); c.640+32095T>A (NM_001330368.2); c.695-18533T>A (NM_001351110.2); short protein forms T2911S.
Identifiers: ClinVar variation 3801087 (VCV003801087.1).
Genomic context (GRCh38, chr11:108,353,825, plus strand): 5'-GGTGTTGCTTTTGAACAGGGCAAAATCCTTCCTACTCCTGAGACAGTTCCTTTTAGACTC[A>T]CCAGAGATATTGTGGATGGCATGGGCATTACGGGTGTTGAAGGTGTCTTCAGAAGGTAAG-3'
Protein context (NP_000042.3, residues 2901-2921): PTPETVPFRL[Thr2911Ser]RDIVDGMGIT